The following is an entry in ClinVar:

NM_021224.6(ZNF462):c.1083G>C (p.Glu361Asp)

Gene: ZNF462 (zinc finger protein 462; plus strand). Cytogenetic location: 9q31.2.
Variant type: single nucleotide variant.
Coding change: c.1083G>C on transcript NM_021224.6 (MANE Select); coding-DNA position 1083, G replaced by C.
Protein change: p.Glu361Asp; replaces glutamic acid 361 with aspartic acid.
Molecular consequence: missense variant.
Genome position (GRCh38, 1-based): chr9:106,924,995, G>C. VCF-style: chr9-106924995-G-C. GRCh37 (hg19) VCF-style: chr9-109687276-G-C.
Other names: c.1083G>C, p.Glu361Asp (NM_001347997.2); short protein forms E361D.
Identifiers: ClinVar variation 4884510 (VCV004884510.1).

ClinVar aggregate classification (germline): Likely benign (1 of 4 stars; one submission).

Conditions:
Weiss-Kruszka syndrome. Also called: Metopic ridging-ptosis-facial dysmorphism syndrome. Identifiers: Orphanet 502430, MedGen C5568107, MONDO:0032836, OMIM 618619.

Submission:

Centre for Medical Genetics,  Mumbai
Classification: Likely benign for Weiss-Kruszka syndrome. Last evaluated: 2026-06-09. Review status: criteria provided, single submitter. Criteria: ACMG Guidelines, 2015. Collection method: provider interpretation. Allele origin: germline. Inheritance: Autosomal dominant inheritance. Affected: no. Observed: 1 variant allele, 1 heterozygote.
Comment: The variant satisfies PM2 criteria - extremely low frequency in gnomAD population databases. The variant satisfies PP2 criteria - missense variant in a gene with low rate of benign missense mutations and for which missense mutation is a common mechanism of a disease. The variant satisfies BP4 criteria - for a missense or a splice region variant, computational prediction tools unanimously support a benign effect on the gene. However, the variant satisfies BS2 criteria - present in heterozygous state in an individual that clinically does not have Weiss-Kruszka syndrome.

Literature cited by the submitters: PubMed 28513610.